The following is an entry in ClinVar:

ClinVar aggregate classification (germline): Likely benign (1 of 4 stars; one submission).

Conditions:
Retinitis pigmentosa (RP). Identifiers: Orphanet 791, MedGen C0035334, MeSH D012174, MONDO:0019200, OMIM 268000. Inheritance: Autosomal dominant, autosomal recessive and X linked inheritance.

Allele frequency attached by ClinVar (database versions not stated): 1000 Genomes Project 0.01138; TOPMed 0.01155; 1000 Genomes Project 30x 0.01218.

Submission:

Illumina Laboratory Services, Illumina
Classification: Likely benign for Retinitis pigmentosa. Last evaluated: 2018-01-12. Review status: criteria provided, single submitter. Criteria: ICSL Variant Classification Criteria 13 December 2019. Collection method: clinical testing. Allele origin: germline.
Comment: This variant was observed in the ICSL laboratory as part of a predisposition screen in an ostensibly healthy population. It had not been previously curated by ICSL or reported in the Human Gene Mutation Database (HGMD: prior to June 1st, 2018), and was therefore a candidate for classification through an automated scoring system. Utilizing variant allele frequency, disease prevalence and penetrance estimates, and inheritance mode, an automated score was calculated to assess if this variant is too frequent to cause the disease. Based on the score and internal cut-off values, a variant classified as likely benign is not then subjected to further curation. The score for this variant resulted in a classification of likely benign for this disease.

NM_001297.5(CNGB1):c.*918C>A

Gene: CNGB1 (cyclic nucleotide gated channel subunit beta 1; minus strand). Cytogenetic location: 16q21.
Variant type: single nucleotide variant.
Coding change: c.*918C>A on transcript NM_001297.5 (MANE Select); 918 bases downstream of the stop codon, C replaced by A.
Molecular consequence: 3 prime UTR variant.
Genome position (GRCh38, 1-based): chr16:57,883,246, G>T on the plus strand (C>A on the coding strand, the complement: CNGB1 is on the minus strand). VCF-style: chr16-57883246-G-T. GRCh37 (hg19) VCF-style: chr16-57917150-G-T.
Other names: c.*918C>A (NM_001286130.2).
Identifiers: ClinVar variation 320034 (VCV000320034.5), dbSNP rs78514298, ClinGen allele CA10638133.